The following is an entry in ClinVar:

NM_000092.5(COL4A4):c.930+1G>A

Gene: COL4A4 (collagen type IV alpha 4 chain; minus strand). Cytogenetic location: 2q36.3.
Variant type: single nucleotide variant.
Coding change: c.930+1G>A on transcript NM_000092.5 (MANE Select); the canonical splice donor site of the intron after coding-DNA position 930, G replaced by A.
Molecular consequence: splice donor variant.
Genome position (GRCh38, 1-based): chr2:227,102,788, C>T on the plus strand (G>A on the coding strand, the complement: COL4A4 is on the minus strand). VCF-style: chr2-227102788-C-T. GRCh37 (hg19) VCF-style: chr2-227967504-C-T.
Other names: c.930+1G>A (NM_000092.4).
Identifiers: ClinVar variation 1496666 (VCV001496666.13), dbSNP rs2150787516, ClinGen allele CA350856978.

ClinVar aggregate classification (germline): Pathogenic/Likely pathogenic. Review status: criteria provided, multiple submitters, no conflicts (2 of 4 stars). 5 submissions from 5 submitters: Pathogenic (3); Likely pathogenic (2). Last evaluated 2025-12-01.

Conditions:
Autosomal recessive Alport syndrome (ATS2). Also called: Alport syndrome type 2; COL4A3-Related Nephropathy; COL4A4 Alport Syndrome and Thin Basement Membrane Nephropathy; ALPORT SYNDROME 2, AUTOSOMAL RECESSIVE. Identifiers: Orphanet 63, Orphanet 88919, MedGen C4746745, MONDO:0008762, OMIM 203780.
Hematuria, benign familial, 1 (BFH1). Also called: THIN MEMBRANE NEPHROPATHY. Identifiers: MedGen CN376803, MONDO:0007709, OMIM 141200.
Alport syndrome. Also called: Hemorrhagic familial nephritis; Hemorrhagic hereditary nephritis; Congenital hereditary hematuria. Identifiers: Orphanet 63, MedGen C1567741, MONDO:0018965.

Submissions (5):

Labcorp Genetics (formerly Invitae), Labcorp
Classification: Pathogenic. Last evaluated: 2025-12-01. Review status: criteria provided, single submitter. Criteria: Invitae Variant Classification Sherloc (09022015). Collection method: clinical testing. Allele origin: germline.
Comment: This sequence change affects a donor splice site in intron 15 of the COL4A4 gene. It is expected to disrupt RNA splicing. Variants that disrupt the donor or acceptor splice site typically lead to a loss of protein function (PMID: 16199547), and loss-of-function variants in COL4A4 are known to be pathogenic (PMID: 21196518, 24854265, 25307543). This variant is not present in population databases (gnomAD no frequency). Disruption of this splice site has been observed in individuals with clinical features of Alport syndrome (PMID: 33772369, 37097554, 38433557; internal data). ClinVar contains an entry for this variant (Variation ID: 1496666). Algorithms developed to predict the effect of sequence changes on RNA splicing suggest that this variant may disrupt the consensus splice site. For these reasons, this variant has been classified as Pathogenic.

MVZ Medizinische Genetik Mainz
Classification: Pathogenic for Autosomal recessive Alport syndrome. Last evaluated: 2024-12-17. Review status: criteria provided, single submitter. Criteria: UK Practice Guidelines For Variant Classification V4 01 2020. Collection method: clinical testing. Allele origin: germline. Inheritance: Autosomal dominant inheritance. Affected: yes. Observed: 1 variant allele.
Comment: ACMG Criteria: PVS1,PS4_MOD,PM2_SUP

Natera, Inc.
Classification: Likely pathogenic for Alport syndrome. Last evaluated: 2024-10-22. Review status: criteria provided, single submitter. Criteria: Natera Variant Classification Schema (03/2026). Collection method: clinical testing. Allele origin: germline.
Comment: The c.930+1G>A variant in COL4A4 is a canonical splice donor site variant predicted to affect pre-mRNA splicing, which may result in an abnormal transcript and altered protein product. This variant is expected to result in nonsense mediated decay, truncation, or a dysfunctional protein product. This variant is rare in the general population with a frequency below the threshold expected for the associated phenotype(s). This variant has been observed in one or more individuals affected with the associated recessive disease, as either homozygous or compound heterozygous with a second variant (PMID: 37097554, 35386907). Given the available evidence, this variant is classified as Likely Pathogenic.

Fulgent Genetics
Classification: Likely pathogenic for Hematuria, benign familial, 1; Autosomal recessive Alport syndrome. Last evaluated: 2024-02-07. Review status: criteria provided, single submitter. Criteria: ACMG Guidelines, 2015. Collection method: clinical testing. Allele origin: germline.

Juno Genomics, Hangzhou Juno Genomics, Inc
Classification: Pathogenic for Hematuria, benign familial, 1; Autosomal recessive Alport syndrome. Review status: criteria provided, single submitter. Criteria: ACMG Guidelines, 2015. Collection method: clinical testing. Allele origin: germline.
Comment: Absent from controls (or at extremely low frequency if recessive) in Genome Aggregation Database.;Null variant in a gene where loss of function (LOF) is a known mechanism of disease.;Patient's phenotype or family history is highly specific for a disease with a single genetic etiology.

Literature cited by the submitters: PubMed 16199547 (cited by Labcorp Genetics (formerly Invitae), Labcorp); PubMed 21196518 (cited by Labcorp Genetics (formerly Invitae), Labcorp); PubMed 24854265 (cited by Labcorp Genetics (formerly Invitae), Labcorp); PubMed 25307543 (cited by Labcorp Genetics (formerly Invitae), Labcorp); PubMed 33772369 (cited by Labcorp Genetics (formerly Invitae), Labcorp); PubMed 37097554 (cited by Labcorp Genetics (formerly Invitae), Labcorp and Natera, Inc.); PubMed 38433557 (cited by Labcorp Genetics (formerly Invitae), Labcorp); PubMed 35386907 (cited by Natera, Inc.).